The following is an entry in ClinVar:

NM_018489.3(ASH1L):c.8386C>A (p.Arg2796Ser)

Gene: ASH1L (ASH1 like histone lysine methyltransferase; minus strand). Cytogenetic location: 1q22.
Variant type: single nucleotide variant.
Coding change: c.8386C>A on transcript NM_018489.3 (MANE Select); coding-DNA position 8386, C replaced by A.
Protein change: p.Arg2796Ser; replaces arginine 2796 with serine.
Molecular consequence: missense variant.
Genome position (GRCh38, 1-based): chr1:155,342,010, G>T on the plus strand (C>A on the coding strand, the complement: ASH1L is on the minus strand). VCF-style: chr1-155342010-G-T. GRCh37 (hg19) VCF-style: chr1-155311801-G-T.
Other names: c.8401C>A, p.Arg2801Ser (NM_001366177.2); short protein forms R2796S, R2801S.
Identifiers: ClinVar variation 2431644 (VCV002431644.3), dbSNP rs1298178532, ClinGen allele CA342724225.
Genomic context (GRCh38, chr1:155,342,010, plus strand): 5'-TGGGAGTGAGCTTCTTGGGGAAGTGATCAAAAGCATAGGGTTTGGTGCAGACAGGATAGC[G>T]GTTCCGGTGGATCTTGTAAAACAGGTGTGCTGACTTGTCAAGCCGATAATCACAGATGTA-3'
Protein context (NP_060959.2, residues 2786-2806): AHLFYKIHRN[Arg2796Ser]YPVCTKPYAF

ClinVar aggregate classification (germline): Uncertain significance. Review status: criteria provided, multiple submitters, no conflicts (2 of 4 stars). 2 submissions from 2 submitters: Uncertain significance (2). Last evaluated 2025-01-07.

Conditions:
Intellectual developmental disorder, autosomal dominant 52. Also called: Intellectual disability, autosomal dominant 52; Mental retardation, autosomal dominant 52. Identifiers: MedGen C4540478, MONDO:0030918, OMIM 617796.

Allele frequency attached by ClinVar (database versions not stated): TOPMed 0.00002.
gnomAD v4.1: 2 of 1,614,086 alleles (0.00012%); highest among the groups gnomAD compares: Admixed American, 0.0017%; no homozygotes.

Submissions (2):

Dasa
Classification: Uncertain significance. Last evaluated: 2025-01-07. Review status: criteria provided, single submitter. Criteria: DASA Assertion Criteria. Collection method: clinical testing. Allele origin: germline.
Comment: NM_018489.3(ASH1L):c.8386C>A (p.Arg2796Ser) is a missense variant that results in the substitution of arginine with serine. This variant is rare in population databases. Computational prediction algorithms are consistent with a deleterious effect. The currently available literature and clinical evidence are not sufficient to establish a definitive association between this variant and the reported condition. Therefore, this variant is classified as a variant of uncertain significance.

Laboratorio de Genetica e Diagnostico Molecular, Hospital Israelita Albert Einstein
Classification: Uncertain significance for Intellectual developmental disorder, autosomal dominant 52. Last evaluated: 2022-10-31. Review status: criteria provided, single submitter. Criteria: ACMG Guidelines, 2015. Collection method: clinical testing. Allele origin: germline. Affected: yes. Observed: 1 variant allele.
Comment: ACMG classification criteria: PM2 supporting, PP3 supporting